The following is an entry in ClinVar:

NM_001370259.2(MEN1):c.95C>G (p.Pro32Arg)

Gene: MEN1 (menin 1; minus strand). Cytogenetic location: 11q13.1.
Variant type: single nucleotide variant.
Coding change: c.95C>G on transcript NM_001370259.2 (MANE Select); coding-DNA position 95, C replaced by G.
Protein change: p.Pro32Arg; replaces proline 32 with arginine.
Molecular consequence: missense variant.
Genome position (GRCh38, 1-based): chr11:64,810,015, G>C on the plus strand (C>G on the coding strand, the complement: MEN1 is on the minus strand). VCF-style: chr11-64810015-G-C. GRCh37 (hg19) VCF-style: chr11-64577487-G-C.
Other names: c.95C>G, p.Pro32Arg (NM_000244.4, NM_001370251.2, NM_001370260.2 and 20 more transcripts); short protein forms P32R.
Identifiers: ClinVar variation 1767516 (VCV001767516.8), dbSNP rs2136194414, ClinGen allele CA381187990.

ClinVar aggregate classification (germline): Pathogenic/Likely pathogenic. Review status: criteria provided, multiple submitters, no conflicts (2 of 4 stars). 2 submissions from 2 submitters: Pathogenic (1); Likely pathogenic (1). Last evaluated 2025-11-19.

Conditions:
Hereditary cancer-predisposing syndrome. Also called: Neoplastic Syndromes, Hereditary; Tumor predisposition; Hereditary neoplastic syndrome; Hereditary Cancer Syndrome. Identifiers: Orphanet 140162, MedGen C0027672, MeSH D009386, MONDO:0015356.
Multiple endocrine neoplasia, type 1 (MEN1). Also called: MEN I; WERMER SYNDROME; Endocrine adenomatosis multiple; MEN 1; MEA I. Identifiers: Orphanet 652, MedGen C0025267, MeSH D018761, MONDO:0007540, OMIM 131100.

Submissions (2):

Ambry Genetics
Classification: Likely pathogenic for Hereditary cancer-predisposing syndrome. Last evaluated: 2025-11-19. Review status: criteria provided, single submitter. Criteria: Ambry Variant Classification Scheme 2023. Collection method: clinical testing. Allele origin: germline.
Comment: The p.P32R variant (also known as c.95C>G), located in coding exon 1 of the MEN1 gene, results from a C to G substitution at nucleotide position 95. The proline at codon 32 is replaced by arginine, an amino acid with dissimilar properties. This variant was reported in individual(s) with features consistent with multiple endocrine neoplasia type 1 (Circelli L et al. J Cell Mol Med, 2015 Jul;19:1735-41; Ambry internal data). This amino acid position is well conserved in available vertebrate species. In addition, this alteration is predicted to be deleterious by in silico analysis. Based on the majority of available evidence to date, this variant is likely to be pathogenic.

Labcorp Genetics (formerly Invitae), Labcorp
Classification: Pathogenic for Multiple endocrine neoplasia, type 1. Last evaluated: 2025-08-11. Review status: criteria provided, single submitter. Criteria: Invitae Variant Classification Sherloc (09022015). Collection method: clinical testing. Allele origin: germline.
Comment: This sequence change replaces proline, which is neutral and non-polar, with arginine, which is basic and polar, at codon 32 of the MEN1 protein (p.Pro32Arg). This variant is not present in population databases (gnomAD no frequency). This missense change has been observed in individual(s) with clinical features of multiple endocrine neoplasia type 1 (PMID: 25824098). Invitae Evidence Modeling of clinical and family history, age, sex, and reported ancestry of multiple individuals with this MEN1 variant has been performed. This variant is expected to be pathogenic with a positive predictive value of at least 99%. This is a validated machine learning model that incorporates the clinical features of 1,366,787 individuals referred to our laboratory for MEN1 testing. ClinVar contains an entry for this variant (Variation ID: 1767516). Invitae Evidence Modeling of protein sequence and biophysical properties (such as structural, functional, and spatial information, amino acid conservation, physicochemical variation, residue mobility, and thermodynamic stability) indicates that this missense variant is expected to disrupt MEN1 protein function with a positive predictive value of 95%. For these reasons, this variant has been classified as Pathogenic.

Literature cited by the submitters: PubMed 25824098 (cited by Ambry Genetics and Labcorp Genetics (formerly Invitae), Labcorp).